The following is an entry in ClinVar:

ClinVar aggregate classification (germline): Uncertain significance (1 of 4 stars; one submission).

Allele frequency attached by ClinVar (database versions not stated): gnomAD exomes below 0.00001.
gnomAD v4.1: 2 of 1,611,272 alleles (0.00012%); highest among the groups gnomAD compares: Non-Finnish European, 0.00017%; no homozygotes.

Submission:

Labcorp Genetics (formerly Invitae), Labcorp
Classification: Uncertain significance. Last evaluated: 2023-07-25. Review status: criteria provided, single submitter. Criteria: Invitae Variant Classification Sherloc (09022015). Collection method: clinical testing. Allele origin: germline.
Comment: This sequence change replaces leucine, which is neutral and non-polar, with phenylalanine, which is neutral and non-polar, at codon 85 of the IL12RB2 protein (p.Leu85Phe). This variant is present in population databases (no rsID available, gnomAD 0.0009%). This variant has not been reported in the literature in individuals affected with IL12RB2-related conditions. Algorithms developed to predict the effect of missense changes on protein structure and function output the following: SIFT: "Not Available"; PolyPhen-2: "Benign"; Align-GVGD: "Not Available". The phenylalanine amino acid residue is found in multiple mammalian species, which suggests that this missense change does not adversely affect protein function. In summary, the available evidence is currently insufficient to determine the role of this variant in disease. Therefore, it has been classified as a Variant of Uncertain Significance.

NM_001374259.2(IL12RB2):c.253C>T (p.Leu85Phe)

Gene: IL12RB2 (interleukin 12 receptor subunit beta 2; plus strand). Cytogenetic location: 1p31.3.
Variant type: single nucleotide variant.
Coding change: c.253C>T on transcript NM_001374259.2 (MANE Select); coding-DNA position 253, C replaced by T.
Protein change: p.Leu85Phe; replaces leucine 85 with phenylalanine.
Molecular consequence: missense variant. On other transcripts: non-coding transcript variant (2).
Genome position (GRCh38, 1-based): chr1:67,321,778, C>T. VCF-style: chr1-67321778-C-T. GRCh37 (hg19) VCF-style: chr1-67787461-C-T.
Other names: c.253C>T, p.Leu85Phe (NM_001258216.1, NM_001319233.1, NM_001559.3 and 2 more transcripts); short protein forms L85F.
Identifiers: ClinVar variation 2860525 (VCV002860525.3), dbSNP rs1281862412, ClinGen allele CA340730721.